The following is an entry in ClinVar:

ClinVar aggregate classification (germline): Uncertain significance (1 of 4 stars; one submission).

Conditions:
Mitochondrial complex V (ATP synthase) deficiency, nuclear type 1. Also called: Nuclear-Encoded ATPase Deficiency, ATPAF2-Related; MITOCHONDRIAL COMPLEX V (ATP SYNTHASE) DEFICIENCY, ATPAF2 TYPE. Identifiers: Orphanet 254913, MedGen C3276276, MONDO:0011421, OMIM 604273.

Submission:

Juno Genomics, Hangzhou Juno Genomics, Inc
Classification: Uncertain significance for Mitochondrial complex V (ATP synthase) deficiency, nuclear type 1. Review status: criteria provided, single submitter. Criteria: ACMG Guidelines, 2015. Collection method: clinical testing. Allele origin: germline.
Comment: Absent from controls (or at extremely low frequency if recessive) in Genome Aggregation Database.

NM_145691.4(ATPAF2):c.423-1G>A

Gene: ATPAF2 (ATP synthase mitochondrial F1 complex assembly factor 2; minus strand). Cytogenetic location: 17p11.2.
Variant type: single nucleotide variant.
Coding change: c.423-1G>A on transcript NM_145691.4 (MANE Select); the canonical splice acceptor site of the intron before coding-DNA position 423, G replaced by A.
Molecular consequence: splice acceptor variant.
Genome position (GRCh38, 1-based): chr17:18,024,705, C>T on the plus strand (G>A on the coding strand, the complement: ATPAF2 is on the minus strand). VCF-style: chr17-18024705-C-T. GRCh37 (hg19) VCF-style: chr17-17928019-C-T.
Identifiers: ClinVar variation 5019004 (VCV005019004.2).